The following is an entry in ClinVar:

ClinVar aggregate classification (germline): Uncertain significance. Review status: criteria provided, multiple submitters, no conflicts (2 of 4 stars). 3 submissions from 3 submitters: Uncertain significance (3). Last evaluated 2023-08-17.

Conditions:
Hereditary cancer-predisposing syndrome. Also called: Neoplastic Syndromes, Hereditary; Tumor predisposition; Hereditary neoplastic syndrome; Hereditary Cancer Syndrome. Identifiers: Orphanet 140162, MedGen C0027672, MeSH D009386, MONDO:0015356.
Breast-ovarian cancer, familial, susceptibility to, 4. Identifiers: Orphanet 145, MedGen C3280345, MONDO:0013669, OMIM 614291.

Submissions (3):

Labcorp Genetics (formerly Invitae), Labcorp
Classification: Uncertain significance for Breast-ovarian cancer, familial, susceptibility to, 4. Last evaluated: 2023-08-17. Review status: criteria provided, single submitter. Criteria: Invitae Variant Classification Sherloc (09022015). Collection method: clinical testing. Allele origin: germline.
Comment: In summary, the available evidence is currently insufficient to determine the role of this variant in disease. Therefore, it has been classified as a Variant of Uncertain Significance. This sequence change replaces serine, which is neutral and polar, with leucine, which is neutral and non-polar, at codon 197 of the RAD51D protein (p.Ser197Leu). This variant is not present in population databases (gnomAD no frequency). This variant has not been reported in the literature in individuals affected with RAD51D-related conditions. ClinVar contains an entry for this variant (Variation ID: 839302). Advanced modeling of protein sequence and biophysical properties (such as structural, functional, and spatial information, amino acid conservation, physicochemical variation, residue mobility, and thermodynamic stability) performed at Invitae indicates that this missense variant is not expected to disrupt RAD51D protein function.

Ambry Genetics
Classification: Uncertain significance for Hereditary cancer-predisposing syndrome. Last evaluated: 2023-04-11. Review status: criteria provided, single submitter. Criteria: Ambry Variant Classification Scheme 2023. Collection method: clinical testing. Allele origin: germline.
Comment: The p.S197L variant (also known as c.590C>T), located in coding exon 7 of the RAD51D gene, results from a C to T substitution at nucleotide position 590. The serine at codon 197 is replaced by leucine, an amino acid with dissimilar properties. This amino acid position is well conserved in available vertebrate species. In addition, the in silico prediction for this alteration is inconclusive. Since supporting evidence is limited at this time, the clinical significance of this alteration remains unclear.

GeneDx
Classification: Uncertain significance. Last evaluated: 2019-06-12. Review status: criteria provided, single submitter. Criteria: GeneDx Variant Classification Process June 2021. Collection method: clinical testing. Allele origin: germline. Affected: yes.
Comment: Not observed in large population cohorts (Lek et al., 2016); In silico analysis, which includes protein predictors and evolutionary conservation, supports a deleterious effect; Has not been previously published as pathogenic or benign to our knowledge

NM_002878.4(RAD51D):c.590C>T (p.Ser197Leu)

Genes: RAD51D (RAD51 paralog D; minus strand), RAD51L3-RFFL (RAD51L3-RFFL readthrough; minus strand). Cytogenetic location: 17q12.
Variant type: single nucleotide variant.
Coding change: c.590C>T on transcript NM_002878.4 (MANE Select); coding-DNA position 590, C replaced by T.
Protein change: p.Ser197Leu; replaces serine 197 with leucine.
Molecular consequence: missense variant. On other transcripts: non-coding transcript variant (3).
Genome position (GRCh38, 1-based): chr17:35,103,531, G>A on the plus strand (C>T on the coding strand, the complement: RAD51D is on the minus strand). VCF-style: chr17-35103531-G-A. GRCh37 (hg19) VCF-style: chr17-33430550-G-A.
Other names: c.650C>T, p.Ser217Leu (NM_001142571.2); c.254C>T, p.Ser85Leu (NM_133629.3); short protein forms S217L, S197L, S85L.
Identifiers: ClinVar variation 839302 (VCV000839302.11), dbSNP rs2091565327, ClinGen allele CA399087972.
Genomic context (GRCh38, chr17:35,103,531, plus strand): 5'-CCCAGAAGTGGGGAAACCACCGCAGTGACCGAGTCCACAACCACCACCTTCACAGTTCCT[G>A]AAGAACCAGTCACCTGAAGGAATGTGGGGGAAGCACTCATGAACCTGTCAGCCTCTAGGA-3'
Protein context (NP_002869.3, residues 187-207): GTVAQQVTGS[Ser197Leu]GTVKVVVVDS